The following is an entry in ClinVar:

NM_001376.5(DYNC1H1):c.12368G>A (p.Arg4123Gln)

Gene: DYNC1H1 (dynein cytoplasmic 1 heavy chain 1; plus strand). Cytogenetic location: 14q32.31.
Variant type: single nucleotide variant.
Coding change: c.12368G>A on transcript NM_001376.5 (MANE Select); coding-DNA position 12368, G replaced by A.
Protein change: p.Arg4123Gln; replaces arginine 4123 with glutamine.
Molecular consequence: missense variant.
Genome position (GRCh38, 1-based): chr14:102,042,476, G>A. VCF-style: chr14-102042476-G-A. GRCh37 (hg19) VCF-style: chr14-102508813-G-A.
Other names: short protein forms R4123Q.
Identifiers: ClinVar variation 930413 (VCV000930413.3), dbSNP rs2048664099, ClinGen allele CA391041060.

ClinVar aggregate classification (germline): Uncertain significance (1 of 4 stars; one submission).

Conditions:
Charcot-Marie-Tooth disease axonal type 2O. Also called: CHARCOT-MARIE-TOOTH NEUROPATHY, AXONAL, TYPE 2O; CHARCOT-MARIE-TOOTH DISEASE, AXONAL, AUTOSOMAL DOMINANT, TYPE 2O; Charcot-Marie-Tooth disease, axonal, type 20; Charcot-Marie-Tooth Neuropathy Type 2O. Identifiers: Orphanet 284232, MedGen C3280220, MONDO:0013644, OMIM 614228.

Allele frequency attached by ClinVar (database versions not stated): gnomAD exomes below 0.00001.
gnomAD v4.1: 5 of 1,614,088 alleles (0.00031%); highest among the groups gnomAD compares: Non-Finnish European, 0.00034%; no homozygotes.

Submission:

Centre for Mendelian Genomics, University Medical Centre Ljubljana
Classification: Uncertain significance for Charcot-Marie-Tooth disease axonal type 2O. Last evaluated: 2019-02-14. Review status: criteria provided, single submitter. Criteria: ACMG Guidelines, 2015. Collection method: clinical testing. Allele origin: unknown. Affected: yes.
Comment: This variant was classified as: Uncertain significance. The available evidence favors the pathogenic nature of this variant, however the currently available data is insufficient to conclusively support its pathogenic nature. Thus this variant is classified as Uncertain significance - favor pathogenic. The following ACMG criteria were applied in classifying this variant: PM2,PP3.